The following is an entry in ClinVar:

ClinVar aggregate classification (germline): Uncertain significance (1 of 4 stars; one submission).

Submission:

Labcorp Genetics (formerly Invitae), Labcorp
Classification: Uncertain significance. Last evaluated: 2022-12-12. Review status: criteria provided, single submitter. Criteria: Invitae Variant Classification Sherloc (09022015). Collection method: clinical testing. Allele origin: germline.
Comment: In summary, the available evidence is currently insufficient to determine the role of this variant in disease. Therefore, it has been classified as a Variant of Uncertain Significance. Algorithms developed to predict the effect of missense changes on protein structure and function are either unavailable or do not agree on the potential impact of this missense change (SIFT: "Deleterious"; PolyPhen-2: "Possibly Damaging"; Align-GVGD: "Class C15"). This variant has not been reported in the literature in individuals affected with CAMK2B-related conditions. This variant is not present in population databases (gnomAD no frequency). This sequence change replaces aspartic acid, which is acidic and polar, with asparagine, which is neutral and polar, at codon 389 of the CAMK2B protein (p.Asp389Asn).

NM_001220.5(CAMK2B):c.1165G>A (p.Asp389Asn)

Gene: CAMK2B (calcium/calmodulin dependent protein kinase II beta; minus strand). Cytogenetic location: 7p13.
Variant type: single nucleotide variant.
Coding change: c.1165G>A on transcript NM_001220.5 (MANE Select); coding-DNA position 1165, G replaced by A.
Protein change: p.Asp389Asn; replaces aspartic acid 389 with asparagine.
Molecular consequence: missense variant. On other transcripts: intron variant (3).
Genome position (GRCh38, 1-based): chr7:44,232,833, C>T on the plus strand (G>A on the coding strand, the complement: CAMK2B is on the minus strand). VCF-style: chr7-44232833-C-T. GRCh37 (hg19) VCF-style: chr7-44272432-C-T.
Other names: c.1165G>A, p.Asp389Asn (NM_001293170.2, NM_172078.3); c.1093G>A, p.Asp365Asn (NM_172079.3, NM_172082.3); c.1090G>A, p.Asp364Asn (NM_172080.3); c.946+7874G>A (NM_172084.3); c.988-1779G>A (NM_172083.3); c.1059+1557G>A (NM_172081.3); short protein forms D364N, D365N, D389N.
Identifiers: ClinVar variation 2820469 (VCV002820469.3), dbSNP rs2485598029, ClinGen allele CA367376267.